The following is an entry in ClinVar:

NM_014704.4(CEP104):c.449T>C (p.Ile150Thr)

Gene: CEP104 (centrosomal protein 104; minus strand). Cytogenetic location: 1p36.32.
Variant type: single nucleotide variant.
Coding change: c.449T>C on transcript NM_014704.4 (MANE Select); coding-DNA position 449, T replaced by C.
Protein change: p.Ile150Thr; replaces isoleucine 150 with threonine.
Molecular consequence: missense variant.
Genome position (GRCh38, 1-based): chr1:3,845,329, A>G on the plus strand (T>C on the coding strand, the complement: CEP104 is on the minus strand). VCF-style: chr1-3845329-A-G. GRCh37 (hg19) VCF-style: chr1-3761893-A-G.
Other names: short protein forms I150T.
Identifiers: ClinVar variation 3365993 (VCV003365993.2).

ClinVar aggregate classification (germline): Uncertain significance. Review status: criteria provided, multiple submitters, no conflicts (2 of 4 stars). 2 submissions from 2 submitters: Uncertain significance (2). Last evaluated 2025-01-19.

Conditions:
Inborn genetic diseases. Identifiers: MedGen C0950123, MeSH D030342.

gnomAD v4.1: 1 of 1,609,172 alleles (0.000062%); highest among the groups gnomAD compares: Admixed American, 0.0017%; no homozygotes.

Submissions (2):

Ambry Genetics
Classification: Uncertain significance for Inborn genetic diseases. Last evaluated: 2025-01-19. Review status: criteria provided, single submitter. Criteria: Ambry Variant Classification Scheme 2023. Collection method: clinical testing. Allele origin: germline.

GeneDx
Classification: Uncertain significance. Last evaluated: 2023-10-17. Review status: criteria provided, single submitter. Criteria: GeneDx Variant Classification Process June 2021. Collection method: clinical testing. Allele origin: germline. Affected: yes.
Comment: Not observed at significant frequency in large population cohorts (gnomAD); In silico analysis supports that this missense variant has a deleterious effect on protein structure/function; Has not been previously published as pathogenic or benign to our knowledge